The following is an entry in ClinVar:

NM_007294.4(BRCA1):c.5191G>A (p.Glu1731Lys)

Gene: BRCA1 (BRCA1 DNA repair associated; minus strand). Cytogenetic location: 17q21.31.
Variant type: single nucleotide variant.
Coding change: c.5191G>A on transcript NM_007294.4 (MANE Select); coding-DNA position 5191, G replaced by A.
Protein change: p.Glu1731Lys; replaces glutamic acid 1731 with lysine.
Molecular consequence: missense variant. On other transcripts: non-coding transcript variant (1).
Genome position (GRCh38, 1-based): chr17:43,063,335, C>T on the plus strand (G>A on the coding strand, the complement: BRCA1 is on the minus strand). VCF-style: chr17-43063335-C-T. GRCh37 (hg19) VCF-style: chr17-41215352-C-T.
Other names: NM_007294.4(BRCA1):c.5191G>A; p.Glu1731Lys; 5310G>A; c.1945G>A, p.Glu649Lys (NM_001407972.1); c.1882G>A, p.Glu628Lys (NM_001407973.1, NM_001407974.1, NM_001407975.1 and 3 more transcripts); c.1879G>A, p.Glu627Lys (NM_001407992.1, NM_001407993.1, NM_007298.4 and 13 more transcripts); c.1876G>A, p.Glu626Lys (NM_001408392.1, NM_001408396.1, NM_001408397.1 and 8 more transcripts); c.1801G>A, p.Glu601Lys (NM_001408413.1, NM_001408414.1, NM_001408415.1 and 2 more transcripts); and 75 more; short protein forms E1731K, E1684K, E1752K, E627K, E319K, E514K, E561K, E579K.
Identifiers: ClinVar variation 91641 (VCV000091641.24), dbSNP rs397507244, ClinGen allele CA003333.

ClinVar aggregate classification (germline): Uncertain significance. Review status: reviewed by expert panel (3 of 4 stars). 6 submissions from 6 submitters: Uncertain significance (1). 5 of the submissions do not count toward it. Last evaluated 2026-01-04.

Conditions:
Familial cancer of breast. Also called: hereditary breast carcinoma; BREAST CANCER, FAMILIAL; Hereditary breast cancer. Identifiers: Orphanet 227535, MedGen C0346153, MONDO:0016419, OMIM 114480. Disease mechanism: loss of function.
Hereditary cancer-predisposing syndrome. Also called: Hereditary Cancer Syndrome; Hereditary neoplastic syndrome; Neoplastic Syndromes, Hereditary; Tumor predisposition. Identifiers: Orphanet 140162, MedGen C0027672, MeSH D009386, MONDO:0015356.
BRCA1-related cancer predisposition. Identifiers: MedGen CN377757, MONDO:0700268.
Hereditary breast ovarian cancer syndrome. Also called: BRCA1- and BRCA2-Associated Hereditary Breast and Ovarian Cancer; Hereditary breast and ovarian cancer syndrome; Hereditary breast and ovarian cancer syndrome (HBOC); Breast and ovarian cancer; Hereditary breast and/or ovarian cancer syndrome; Hereditary breast and ovarian cancer. Identifiers: Orphanet 145, MedGen C0677776, MeSH D061325, MONDO:0003582. Disease mechanism: loss of function.
Breast-ovarian cancer, familial, susceptibility to, 1 (BROVCA1). Also called: BRCA1 Hereditary Breast and Ovarian Cancer; OVARIAN CANCER, SUSCEPTIBILITY TO. Identifiers: Orphanet 145, MedGen C2676676, MONDO:0011450, OMIM 604370. Disease mechanism: loss of function.

Allele frequency attached by ClinVar (database versions not stated): gnomAD exomes below 0.00001.
gnomAD v4.1: 1 of 1,609,024 alleles (0.000062%); highest among the groups gnomAD compares: East Asian, 0.0022%; no homozygotes.

Submissions (7):

ClinGen ENIGMA BRCA1 and BRCA2 Variant Curation Expert Panel, ClinGen
Classification: Uncertain significance for BRCA1-related cancer predisposition. Last evaluated: 2026-01-04. Review status: reviewed by expert panel. Criteria: CSpec BRCA12ACMG Rules Specifications V1.1. Collection method: curation. Allele origin: germline. Inheritance: Autosomal dominant inheritance.
Comment: The c.5191G>A variant in BRCA1 is a missense variant predicted to cause substitution of glutamic acid by lysine at amino acid 1731 (p.Glu1731Lys). This variant is absent from gnomAD v2.1 (exomes only, non-cancer subset, read depth ≥25) and gnomAD v3.1 (non-cancer subset, read depth ≥25). This BRCA1 missense variant is within a key functional domain and the computational predictor BayesDel (noAF) gives a score of 0.13, which is below the recommended threshold of 0.15 for predicting no impact on BRCA1 via protein change. A SpliceAI score of 0.01 predicts no impact on splicing (score threshold ≤0.1) This variant is reported by one calibrated study to exhibit protein function similar to pathogenic control variants (PMID:30209399). In summary, this variant meets the criteria to be classified as a Variant of uncertain significance for BRCA1-related cancer predisposition based on the ACMG/AMP criteria applied as specified by the ENIGMA BRCA1/2 VCEP (PM2_supporting, BP4, PS3).

Ambry Genetics
Classification: Uncertain significance for Hereditary cancer-predisposing syndrome. Last evaluated: 2026-03-18. Review status: criteria provided, single submitter. Criteria: Ambry Variant Classification Scheme 2023. Collection method: clinical testing. Allele origin: germline. Not counted in ClinVar's aggregate classification.
Comment: The p.E1731K variant (also known as c.5191G>A), located in coding exon 17 of the BRCA1 gene, results from a G to A substitution at nucleotide position 5191. The glutamic acid at codon 1731 is replaced by lysine, an amino acid with similar properties. One functional study found that this nucleotide substitution is non-functional in a high-throughput, genome editing, haploid cell survival assay (Findlay GM et al. Nature, 2018 10;562:217-222).This amino acid position is well conserved in available vertebrate species. In addition, this alteration is predicted to be deleterious by in silico analysis. Based on the available evidence, the clinical significance of this variant remains unclear.

GeneDx
Classification: Likely pathogenic. Last evaluated: 2025-05-22. Review status: criteria provided, single submitter. Criteria: GeneDx Variant Classification Process June 2021. Collection method: clinical testing. Allele origin: germline. Affected: yes. Not counted in ClinVar's aggregate classification.
Comment: Published functional studies demonstrate a damaging effect: classified as non-functional based on a saturation genome editing (SGE) assay measuring cell growth (PMID: 30209399); Not observed at significant frequency in large population cohorts (gnomAD); In silico analysis supports that this missense variant has a deleterious effect on protein structure/function; Also known as 5310G>A; This variant is associated with the following publications: (PMID: 27923043, 33558524, 25348405, 30287823, 30209399)

Labcorp Genetics (formerly Invitae), Labcorp
Classification: Uncertain significance for Hereditary breast ovarian cancer syndrome. Last evaluated: 2023-10-16. Review status: criteria provided, single submitter. Criteria: Invitae Variant Classification Sherloc (09022015). Collection method: clinical testing. Allele origin: germline. Not counted in ClinVar's aggregate classification.
Comment: This sequence change replaces glutamic acid, which is acidic and polar, with lysine, which is basic and polar, at codon 1731 of the BRCA1 protein (p.Glu1731Lys). This variant is not present in population databases (gnomAD no frequency). This variant has not been reported in the literature in individuals affected with BRCA1-related conditions. ClinVar contains an entry for this variant (Variation ID: 91641). An algorithm developed to predict the effect of missense changes on protein structure and function (PolyPhen-2) suggests that this variant is likely to be disruptive. Experimental studies have shown that this missense change affects BRCA1 function (PMID: 30209399). In summary, the available evidence is currently insufficient to determine the role of this variant in disease. Therefore, it has been classified as a Variant of Uncertain Significance.

Center of Medical Genetics and Primary Health Care
Classification: Uncertain significance for Familial breast cancer. Last evaluated: 2020-06-12. Review status: no assertion criteria provided. Collection method: research. Allele origin: germline. Affected: yes. Observed: 1 heterozygote. Not counted in ClinVar's aggregate classification.
Comment: ACMG Guidelines 2015 criteria The BRCA1 variant p.Glu1731Lys is in exon 19 in the BRCT domain (S1642-1736V aa). This domain of about 95 amino acids is found in a large variety of proteins involved in DNA repair, recombination and cell cycle control (Bork et al., 1997). It is found in a mutational hotspot including 34 pathogenic missense, nonsense, and frameshift variants (PM1 Pathogenic Moderate). The allele frequency in GnomAD exomes is 0.0000159 which is less the threshold 0.0001for recessive gene BRCA1, and the variant is not found in GnomAD genomes (PM2 Pathogenic Moderate). 8 pathogenic predictions from DANN, EIGEN, FATHMM-MKL, M-CAP, MVP, MutationTaster, REVEL and SIFT versus 3 benign predictions from DEOGEN2, MutationAssessor and PrimateAI support its deleterious effect (PP3 Pathogenic Supporting). Therefore, this variant was classified as a Variant of Unknown Significance.

Sharing Clinical Reports Project (SCRP)
Classification: Uncertain significance for Breast-ovarian cancer, familial 1. Last evaluated: 2011-07-18. Review status: no assertion criteria provided. Collection method: clinical testing. Allele origin: germline. Not counted in ClinVar's aggregate classification.

Brotman Baty Institute, University of Washington
No classification provided (evidence only). Condition: Breast-ovarian cancer, familial 1. Review status: no classification provided. Collection method: in vitro. Allele origin: not applicable. Functional consequence: functionally_abnormal. Not counted in ClinVar's aggregate classification.
ClinVar note: "not provided" was previously submitted as the classification for the variant. However, the classification appeared to be based only on an observation of functional data so it was converted to no classification on 2025-07-30.

Literature cited by the submitters: PubMed 30209399 (cited by 3 submitters).